The following is an entry in ClinVar:

ClinVar aggregate classification (germline): Pathogenic. Review status: reviewed by expert panel (3 of 4 stars). 2 submissions from 2 submitters: Pathogenic (1). 1 of the submissions does not count toward it. Last evaluated 2016-09-08.

Conditions:
Hereditary cancer-predisposing syndrome. Also called: Hereditary Cancer Syndrome; Hereditary neoplastic syndrome; Tumor predisposition; Neoplastic Syndromes, Hereditary. Identifiers: Orphanet 140162, MedGen C0027672, MeSH D009386, MONDO:0015356.
Breast-ovarian cancer, familial, susceptibility to, 1 (BROVCA1). Also called: OVARIAN CANCER, SUSCEPTIBILITY TO; BRCA1 Hereditary Breast and Ovarian Cancer. Identifiers: Orphanet 145, MedGen C2676676, MONDO:0011450, OMIM 604370. Disease mechanism: loss of function.

Submissions (2):

Evidence-based Network for the Interpretation of Germline Mutant Alleles (ENIGMA)
Classification: Pathogenic for Breast-ovarian cancer, familial, susceptibility to, 1. Last evaluated: 2016-09-08. Review status: reviewed by expert panel. Criteria: ENIGMA BRCA1/2 Classification Criteria (2015). Collection method: curation. Allele origin: germline.
Comment: Variant allele predicted to encode a truncated non-functional protein.

Ambry Genetics
Classification: Pathogenic for Hereditary cancer-predisposing syndrome. Last evaluated: 2014-09-23. Review status: criteria provided, single submitter. Criteria: Ambry Variant Classification Scheme 2023. Collection method: clinical testing. Allele origin: germline. Not counted in ClinVar's aggregate classification.
Comment: The p.E1367* pathogenic mutation (also known as c.4099G>T and 4218G>T) located in coding exon 10 of the BRCA1 gene, results from a G to T substitution at nucleotide position 4099. This changes the amino acid from a glutamic acid to a stop codon within coding exon 10. Since premature stop codons are typically deleterious in nature, this alteration is interpreted as a disease-causing mutation (ACMG Recommendations for Standards for Interpretation and Reporting of Sequence Variations. Revision 2007. Genet Med. 2008;10:294).

NM_007294.4(BRCA1):c.4099G>T (p.Glu1367Ter)

Gene: BRCA1 (BRCA1 DNA repair associated; minus strand). Cytogenetic location: 17q21.31.
Variant type: single nucleotide variant.
Coding change: c.4099G>T on transcript NM_007294.4 (MANE Select); coding-DNA position 4099, G replaced by T.
Protein change: p.Glu1367Ter; replaces glutamic acid 1367 with a stop codon.
Molecular consequence: nonsense. On other transcripts: non-coding transcript variant (1).
Genome position (GRCh38, 1-based): chr17:43,091,030, C>A on the plus strand (G>T on the coding strand, the complement: BRCA1 is on the minus strand). VCF-style: chr17-43091030-C-A. GRCh37 (hg19) VCF-style: chr17-41243047-C-A.
Other names: c.3886G>T, p.Glu1296Ter (NM_001407571.1, NM_001407853.1, NM_001407894.1 and 9 more transcripts); c.4099G>T, p.Glu1367Ter (NM_001407581.1, NM_001407582.1, NM_001407583.1 and 30 more transcripts); c.4096G>T, p.Glu1366Ter (NM_001407587.1, NM_001407590.1, NM_001407591.1 and 22 more transcripts); c.4090G>T, p.Glu1364Ter (NM_001407646.1, NM_001407647.1); c.3976G>T, p.Glu1326Ter (NM_001407648.1, NM_001407664.1, NM_001407665.1 and 19 more transcripts); c.3973G>T, p.Glu1325Ter (NM_001407649.1, NM_001407670.1, NM_001407685.1 and 11 more transcripts); c.4018G>T, p.Glu1340Ter (NM_001407662.1, NM_001407659.1, NM_001407660.1 and 1 more transcripts); c.4021G>T, p.Glu1341Ter (NM_001407663.1, NM_001407653.1, NM_001407654.1 and 4 more transcripts); and 40 more; short protein forms E1367*, E264*, E1320*, E1071*, E1255*, E1296*, E1297*, E1366*.
Identifiers: ClinVar variation 186497 (VCV000186497.7), dbSNP rs786202998, ClinGen allele CA002630.